The following is an entry in ClinVar:

NM_004064.5(CDKN1B):c.322G>T (p.Asp108Tyr)

Gene: CDKN1B (cyclin dependent kinase inhibitor 1B; plus strand). Cytogenetic location: 12p13.1.
Variant type: single nucleotide variant.
Coding change: c.322G>T on transcript NM_004064.5 (MANE Select); coding-DNA position 322, G replaced by T.
Protein change: p.Asp108Tyr; replaces aspartic acid 108 with tyrosine.
Molecular consequence: missense variant.
Genome position (GRCh38, 1-based): chr12:12,718,161, G>T. VCF-style: chr12-12718161-G-T. GRCh37 (hg19) VCF-style: chr12-12871095-G-T.
Other names: short protein forms D108Y.
Identifiers: ClinVar variation 2033118 (VCV002033118.4), dbSNP rs2136356134, ClinGen allele CA383970219.

ClinVar aggregate classification (germline): Uncertain significance (1 of 4 stars; one submission).

Conditions:
Multiple endocrine neoplasia type 4. Also called: MULTIPLE ENDOCRINE NEOPLASIA, TYPE IV. Identifiers: Orphanet 276152, MedGen C1970712, MONDO:0012552, OMIM 610755.

Submission:

Labcorp Genetics (formerly Invitae), Labcorp
Classification: Uncertain significance for Multiple endocrine neoplasia type 4. Last evaluated: 2021-12-05. Review status: criteria provided, single submitter. Criteria: Invitae Variant Classification Sherloc (09022015). Collection method: clinical testing. Allele origin: germline.
Comment: In summary, the available evidence is currently insufficient to determine the role of this variant in disease. Therefore, it has been classified as a Variant of Uncertain Significance. Algorithms developed to predict the effect of sequence changes on RNA splicing suggest that this variant may create or strengthen a splice site. Algorithms developed to predict the effect of missense changes on protein structure and function (SIFT, PolyPhen-2, Align-GVGD) all suggest that this variant is likely to be disruptive. This variant has not been reported in the literature in individuals affected with CDKN1B-related conditions. This variant is not present in population databases (gnomAD no frequency). This sequence change replaces aspartic acid, which is acidic and polar, with tyrosine, which is neutral and polar, at codon 108 of the CDKN1B protein (p.Asp108Tyr).